The following is an entry in ClinVar:

ClinVar aggregate classification (germline): Uncertain significance (1 of 4 stars; one submission).

Conditions:
Inborn genetic diseases. Identifiers: MedGen C0950123, MeSH D030342.

Allele frequency attached by ClinVar (database versions not stated): gnomAD exomes below 0.00001.

Submission:

Ambry Genetics
Classification: Uncertain significance for Inborn genetic diseases. Last evaluated: 2020-03-27. Review status: criteria provided, single submitter. Criteria: Ambry Variant Classification Scheme 2023. Collection method: clinical testing. Allele origin: germline.
Comment: The p.I399M variant (also known as c.1197C>G), located in coding exon 4 of the CLN5 gene, results from a C to G substitution at nucleotide position 1197. The isoleucine at codon 399 is replaced by methionine, an amino acid with highly similar properties. This amino acid position is poorly conserved in available vertebrate species. In addition, this alteration is predicted to be tolerated by in silico analysis. Since supporting evidence is limited at this time, the clinical significance of this alteration remains unclear.

NM_006493.4(CLN5):c.1050C>G (p.Ile350Met)

Gene: CLN5 (CLN5 intracellular trafficking protein; plus strand). Cytogenetic location: 13q22.3.
Variant type: single nucleotide variant.
Coding change: c.1050C>G on transcript NM_006493.4 (MANE Select); coding-DNA position 1050, C replaced by G.
Protein change: p.Ile350Met; replaces isoleucine 350 with methionine.
Molecular consequence: missense variant. On other transcripts: 3 prime UTR variant (1).
Genome position (GRCh38, 1-based): chr13:77,000,942, C>G. VCF-style: chr13-77000942-C-G. GRCh37 (hg19) VCF-style: chr13-77575077-C-G.
Other names: c.*499C>G (NM_001366624.2); short protein forms I399M, I350M.
Identifiers: ClinVar variation 1746256 (VCV001746256.2), dbSNP rs2501158262, ClinGen allele CA388314952.